The following is an entry in ClinVar:

ClinVar aggregate classification (germline): Uncertain significance. Review status: criteria provided, multiple submitters, no conflicts (2 of 4 stars). 2 submissions from 2 submitters: Uncertain significance (2). Last evaluated 2024-03-07.

Conditions:
Familial focal epilepsy with variable foci (FPEVF). Identifiers: Orphanet 98820, MedGen C1858477, MONDO:0020310.

gnomAD v4.1: 9 of 1,614,024 alleles (0.00056%); highest among the groups gnomAD compares: Middle Eastern, 0.017%; no homozygotes.

Submissions (2):

Labcorp Genetics (formerly Invitae), Labcorp
Classification: Uncertain significance for Familial focal epilepsy with variable foci. Last evaluated: 2024-03-07. Review status: criteria provided, single submitter. Criteria: Invitae Variant Classification Sherloc (09022015). Collection method: clinical testing. Allele origin: germline.
Comment: This sequence change replaces arginine, which is basic and polar, with histidine, which is basic and polar, at codon 674 of the DEPDC5 protein (p.Arg674His). This variant is present in population databases (rs751323831, gnomAD 0.006%). This variant has not been reported in the literature in individuals affected with DEPDC5-related conditions. Algorithms developed to predict the effect of missense changes on protein structure and function output the following: SIFT: "Not Available"; PolyPhen-2: "Not Available"; Align-GVGD: "Not Available". The histidine amino acid residue is found in multiple mammalian species, which suggests that this missense change does not adversely affect protein function. In summary, the available evidence is currently insufficient to determine the role of this variant in disease. Therefore, it has been classified as a Variant of Uncertain Significance.

Blueprint Genetics
Classification: Uncertain significance. Last evaluated: 2021-12-28. Review status: criteria provided, single submitter. Criteria: ACMG Guidelines, 2015. Collection method: clinical testing. Allele origin: germline.

NM_001242896.3(DEPDC5):c.2021G>A (p.Arg674His)

Gene: DEPDC5 (DEP domain containing 5, GATOR1 subcomplex subunit; plus strand). Cytogenetic location: 22q12.3.
Variant type: single nucleotide variant.
Coding change: c.2021G>A on transcript NM_001242896.3 (MANE Select); coding-DNA position 2021, G replaced by A.
Protein change: p.Arg674His; replaces arginine 674 with histidine.
Molecular consequence: missense variant. On other transcripts: non-coding transcript variant (4), intron variant (3).
Genome position (GRCh38, 1-based): chr22:31,822,707, G>A. VCF-style: chr22-31822707-G-A. GRCh37 (hg19) VCF-style: chr22-32218693-G-A.
Other names: c.2021G>A, p.Arg674His (NM_001136029.4, NM_001363852.2, NM_001364318.2 and 3 more transcripts); c.1937G>A, p.Arg646His (NM_001369901.1, NM_001369902.1); c.1870+3482G>A (NM_001363854.2, NM_001242897.2, NM_001364319.2); short protein forms R646H, R674H.
Identifiers: ClinVar variation 3726855 (VCV003726855.3).